The following is an entry in ClinVar:

ClinVar aggregate classification (germline): Likely benign. Review status: criteria provided, multiple submitters, no conflicts (2 of 4 stars). 3 submissions from 3 submitters: Likely benign (2). 1 of the submissions does not count toward it. Last evaluated 2023-07-24.

Conditions:
Immunodeficiency 39 (IMD39). Identifiers: Orphanet 574918, MedGen C4225358, MONDO:0014597, OMIM 616345.
IRF7-related disorder. Also called: IRF7-related condition.

Allele frequency attached by ClinVar (database versions not stated): gnomAD 0.00001; TOPMed 0.00003.
gnomAD v4.1: 12 of 1,576,814 alleles (0.00076%); highest among the groups gnomAD compares: Non-Finnish European, 0.001%; no homozygotes.

Submissions (3):

Blueprint Genetics
Classification: Likely benign. Last evaluated: 2023-07-24. Review status: criteria provided, single submitter. Criteria: ACMG Guidelines, 2015. Collection method: clinical testing. Allele origin: germline.

Labcorp Genetics (formerly Invitae), Labcorp
Classification: Likely benign for Immunodeficiency 39. Last evaluated: 2022-12-26. Review status: criteria provided, single submitter. Criteria: Invitae Variant Classification Sherloc (09022015). Collection method: clinical testing. Allele origin: germline.

PreventionGenetics, part of Exact Sciences
Classification: Likely benign for IRF7-related condition. Last evaluated: 2019-12-02. Review status: no assertion criteria provided. Collection method: clinical testing. Allele origin: germline. Not counted in ClinVar's aggregate classification.
Comment: This variant is classified as likely benign based on ACMG/AMP sequence variant interpretation guidelines (Richards et al. 2015 PMID: 25741868, with internal and published modifications).

NM_001572.5(IRF7):c.1032C>A (p.Arg344=)

Gene: IRF7 (interferon regulatory factor 7; minus strand). Cytogenetic location: 11p15.5.
Variant type: single nucleotide variant.
Coding change: c.1032C>A on transcript NM_001572.5 (MANE Select); coding-DNA position 1032, C replaced by A.
Protein change: p.Arg344=; no amino-acid change (arginine 344 retained).
Molecular consequence: synonymous variant.
Genome position (GRCh38, 1-based): chr11:613,411, G>T on the plus strand (C>A on the coding strand, the complement: IRF7 is on the minus strand). VCF-style: chr11-613411-G-T. GRCh37 (hg19) VCF-style: chr11-613411-G-T.
Other names: c.1071C>A (NM_004031.2); c.945C>A, p.Arg315= (NM_004029.4); c.1071C>A, p.Arg357= (NM_004031.4).
Identifiers: ClinVar variation 2974994 (VCV002974994.6), dbSNP rs909345196, ClinGen allele CA216910465.